The following is an entry in ClinVar:

ClinVar aggregate classification (germline): Pathogenic. Review status: criteria provided, multiple submitters, no conflicts (2 of 4 stars). 3 submissions from 3 submitters: Pathogenic (3). Last evaluated 2023-12-13.

Conditions:
Lafora disease. Also called: Epilepsy progressive myoclonic 2; Progressive Myoclonus Epilepsy, Lafora Type. Identifiers: Orphanet 501, MedGen C0751783, MONDO:0009697.

Allele frequency attached by ClinVar (database versions not stated): gnomAD exomes 0.00001 and 0.00005; TOPMed 0.00002; ExAC 0.00003; gnomAD 0.00006 and 0.00008.

Submissions (3):

GeneDx
Classification: Pathogenic. Last evaluated: 2023-12-13. Review status: criteria provided, single submitter. Criteria: GeneDx Variant Classification Process June 2021. Collection method: clinical testing. Allele origin: germline. Affected: yes.
Comment: Frameshift variant predicted to result in protein truncation or nonsense mediated decay in a gene for which loss of function is a known mechanism of disease; This variant is associated with the following publications: (PMID: 12958597)

CeGaT Center for Human Genetics Tuebingen
Classification: Pathogenic. Last evaluated: 2022-12-01. Review status: criteria provided, single submitter. Criteria: CeGaT Center For Human Genetics Tuebingen Variant Classification Criteria Version 2. Collection method: clinical testing. Allele origin: germline. Affected: yes. Observed: 1 variant allele.
Comment: NHLRC1: PVS1, PM2

Labcorp Genetics (formerly Invitae), Labcorp
Classification: Pathogenic for Lafora disease. Last evaluated: 2022-07-12. Review status: criteria provided, single submitter. Criteria: Invitae Variant Classification Sherloc (09022015). Collection method: clinical testing. Allele origin: germline.
Comment: This sequence change creates a premature translational stop signal (p.Gly158Glufs*74) in the NHLRC1 gene. While this is not anticipated to result in nonsense mediated decay, it is expected to disrupt the last 238 amino acid(s) of the NHLRC1 protein. This variant is present in population databases (rs757954108, gnomAD 0.02%). This premature translational stop signal has been observed in individual(s) with progressive myoclonic epilepsy (PMID: 15781812). ClinVar contains an entry for this variant (Variation ID: 280034). This variant disrupts a region of the NHLRC1 protein in which other variant(s) (p.Ser300Valfs*13) have been determined to be pathogenic (PMID: 16021330). This suggests that this is a clinically significant region of the protein, and that variants that disrupt it are likely to be disease-causing. For these reasons, this variant has been classified as Pathogenic.

Literature cited by the submitters: PubMed 15781812 (cited by Labcorp Genetics (formerly Invitae), Labcorp); PubMed 16021330 (cited by Labcorp Genetics (formerly Invitae), Labcorp).

NM_198586.3(NHLRC1):c.468del (p.Gly158fs)

Gene: NHLRC1 (NHL repeat containing E3 ubiquitin protein ligase 1; minus strand). Cytogenetic location: 6p22.3.
Variant type: Deletion.
Coding change: c.468del on transcript NM_198586.3 (MANE Select); coding-DNA position 468, one base deleted (A; older notation c.468delA).
Protein change: p.Gly158fs; shifts the reading frame from glycine 158.
Molecular consequence: frameshift variant.
Genome position (GRCh38, 1-based): chr6:18,122,139, T deleted on the plus strand (A on the coding strand, the reverse complement: NHLRC1 is on the minus strand). VCF-style (leftmost placement, unchanged base first): chr6-18122138-CT-C. GRCh37 (hg19) VCF-style: chr6-18122369-CT-C.
Other names: c.468del (NM_198586.2); short protein forms G158fs.
Identifiers: ClinVar variation 280034 (VCV000280034.36), dbSNP rs757954108, ClinGen allele CA3649990.